The following is an entry in ClinVar:

ClinVar aggregate classification (germline): Uncertain significance. Review status: criteria provided, multiple submitters, no conflicts (2 of 4 stars). 2 submissions from 2 submitters: Uncertain significance (2). Last evaluated 2025-08-29.

Conditions:
Hereditary cancer-predisposing syndrome. Also called: Neoplastic Syndromes, Hereditary; Tumor predisposition; Hereditary Cancer Syndrome; Hereditary neoplastic syndrome. Identifiers: Orphanet 140162, MedGen C0027672, MeSH D009386, MONDO:0015356.
Familial cancer of breast. Also called: BREAST CANCER, FAMILIAL; Hereditary breast cancer; hereditary breast carcinoma. Identifiers: Orphanet 227535, MedGen C0346153, MONDO:0016419, OMIM 114480. Disease mechanism: loss of function.

Submissions (2):

Ambry Genetics
Classification: Uncertain significance for Hereditary cancer-predisposing syndrome. Last evaluated: 2025-08-29. Review status: criteria provided, single submitter. Criteria: Ambry Variant Classification Scheme 2023. Collection method: clinical testing. Allele origin: germline.
Comment: The p.L402F variant (also known as c.1204C>T), located in coding exon 4 of the PALB2 gene, results from a C to T substitution at nucleotide position 1204. The leucine at codon 402 is replaced by phenylalanine, an amino acid with highly similar properties. This amino acid position is highly conserved in available vertebrate species. In addition, this alteration is predicted to be tolerated by in silico analysis.Since supporting evidence is limited at this time, the clinical significance of this alteration remains unclear.

Labcorp Genetics (formerly Invitae), Labcorp
Classification: Uncertain significance for Familial cancer of breast. Last evaluated: 2021-05-04. Review status: criteria provided, single submitter. Criteria: Invitae Variant Classification Sherloc (09022015). Collection method: clinical testing. Allele origin: germline.
Comment: This variant is not present in population databases (ExAC no frequency). In summary, the available evidence is currently insufficient to determine the role of this variant in disease. Therefore, it has been classified as a Variant of Uncertain Significance. Algorithms developed to predict the effect of missense changes on protein structure and function are either unavailable or do not agree on the potential impact of this missense change (SIFT: "Tolerated"; PolyPhen-2: "Probably Damaging"; Align-GVGD: "Class C0"). This variant has not been reported in the literature in individuals with PALB2-related conditions. ClinVar contains an entry for this variant (Variation ID: 482059). This sequence change replaces leucine with phenylalanine at codon 402 of the PALB2 protein (p.Leu402Phe). The leucine residue is highly conserved and there is a small physicochemical difference between leucine and phenylalanine.

NM_024675.4(PALB2):c.1204C>T (p.Leu402Phe)

Gene: PALB2 (partner and localizer of BRCA2; minus strand). Cytogenetic location: 16p12.2.
Variant type: single nucleotide variant.
Coding change: c.1204C>T on transcript NM_024675.4 (MANE Select); coding-DNA position 1204, C replaced by T.
Protein change: p.Leu402Phe; replaces leucine 402 with phenylalanine.
Molecular consequence: missense variant.
Genome position (GRCh38, 1-based): chr16:23,635,342, G>A on the plus strand (C>T on the coding strand, the complement: PALB2 is on the minus strand). VCF-style: chr16-23635342-G-A. GRCh37 (hg19) VCF-style: chr16-23646663-G-A.
Other names: short protein forms L402F.
Identifiers: ClinVar variation 482059 (VCV000482059.15), dbSNP rs1555461402, ClinGen allele CA395133207.